The following is an entry in ClinVar:

ClinVar aggregate classification (germline): Pathogenic/Likely pathogenic. Review status: criteria provided, multiple submitters, no conflicts (2 of 4 stars). 9 submissions from 8 submitters: Pathogenic (6); Likely pathogenic (3). Last evaluated 2026-01-21.

Conditions:
Rhizomelic chondrodysplasia punctata (RCDP). Identifiers: Orphanet 177, MedGen C0282529, MONDO:0015776. Disease mechanism: loss of function.
Rhizomelic chondrodysplasia punctata type 1 (RCDP1). Also called: PEROXISOME BIOGENESIS DISORDER 9; CHONDRODYSTROPHIA CALCIFICANS PUNCTATA; PEX7-Related Rhizomelic Chondrodysplasia Punctata. Identifiers: Orphanet 177, Orphanet 309789, MedGen C1859133, MONDO:0008972, OMIM 215100. Disease mechanism: loss of function.
Peroxisome biogenesis disorder 9B. Also called: PEROXISOME BIOGENESIS DISORDER, PEX7-RELATED, ATYPICAL; PEX7-Related Refsum Disease; Refsum disease, adult, 2. Identifiers: Orphanet 773, MedGen C2749346, MONDO:0013945, OMIM 614879.

Submissions (9):

Labcorp Genetics (formerly Invitae), Labcorp
Classification: Pathogenic for Peroxisome biogenesis disorder 9B. Last evaluated: 2026-01-21. Review status: criteria provided, single submitter. Criteria: Invitae Variant Classification Sherloc (09022015). Collection method: clinical testing. Allele origin: germline.
Comment: This sequence change creates a premature translational stop signal (p.Phe61Leufs*13) in the PEX7 gene. It is expected to result in an absent or disrupted protein product. Loss-of-function variants in PEX7 are known to be pathogenic (PMID: 12325024, 12522768, 20301447). This variant is present in population databases (rs774131564, gnomAD 0.08%). This variant has not been reported in the literature in individuals affected with PEX7-related conditions. ClinVar contains an entry for this variant (Variation ID: 225436). For these reasons, this variant has been classified as Pathogenic.

Natera, Inc.
Classification: Pathogenic for Rhizomelic Chondrodysplasia Punctata. Last evaluated: 2025-08-21. Review status: criteria provided, single submitter. Criteria: Natera Variant Classification Schema (03/2026). Collection method: clinical testing. Allele origin: germline.
Comment: The c.183delT variant in PEX7 is a frameshift variant predicted to shift the reading frame beginning at codon 61 and leads to a stop codon 13 codons downstream. This variant is expected to result in nonsense mediated decay, truncation, or a dysfunctional protein product. This variant is rare in the general population with a frequency below the threshold expected for the associated phenotype(s). This variant has been observed in one or more individuals affected with the associated recessive disease, as either homozygous or compound heterozygous with a second variant (PMID: 34671977). Given the available evidence, this variant is classified as Pathogenic.

Fulgent Genetics
Classification: Pathogenic for Rhizomelic chondrodysplasia punctata type 1; Peroxisome biogenesis disorder 9B. Last evaluated: 2024-06-22. Review status: criteria provided, single submitter. Criteria: ACMG Guidelines, 2015. Collection method: clinical testing. Allele origin: germline.

Baylor Genetics
Classification: Pathogenic for Peroxisome biogenesis disorder 9B. Last evaluated: 2024-01-18. Review status: criteria provided, single submitter. Criteria: ACMG Guidelines, 2015. Collection method: clinical testing. Allele origin: unknown.

Revvity Omics, Revvity
Classification: Likely pathogenic. Last evaluated: 2023-11-22. Review status: criteria provided, single submitter. Criteria: ACMG Guidelines, 2015. Collection method: clinical testing. Allele origin: germline.

Women's Health and Genetics/Laboratory Corporation of America, LabCorp
Classification: Pathogenic for Rhizomelic chondrodysplasia punctata type 1. Last evaluated: 2023-05-06. Review status: criteria provided, single submitter. Criteria: LabCorp Variant Classification Summary - May 2015. Collection method: clinical testing. Allele origin: germline.
Comment: Variant summary: PEX7 c.183delT (p.Phe61LeufsX13) results in a premature termination codon, predicted to cause absence of the protein due to nonsense mediated decay, which is a commonly known mechanism for disease. Variants downstream of this position have been classified as pathogenic by our laboratory. The variant allele was found at a frequency of 5.2e-05 in 251456 control chromosomes. This frequency is not significantly higher than estimated for a pathogenic variant in PEX7 causing Rhizomelic Chondrodysplasia Punctata Type 1 (5.2e-05 vs 0.0019), allowing no conclusion about variant significance. c.183delT has been reported in the literature in individuals affected with Rhizomelic Chondrodysplasia Punctata Type 1 (example, Luisman_2021 citing van den Brink_2004). The following publications have been ascertained in the context of this evaluation (PMID: 34229749, 34671977). Two clinical diagnostic laboratories have submitted clinical-significance assessments for this variant to ClinVar after 2014 without evidence for independent evaluation. All laboratories classified the variant as pathogenic/likely pathogenic. Based on the evidence outlined above, the variant was classified as pathogenic.

Soonchunhyang University Bucheon Hospital, Soonchunhyang University Medical Center
Classification: Likely pathogenic for Peroxisome biogenesis disorder 9B; Rhizomelic chondrodysplasia punctata type 1. Last evaluated: 2016-03-18. Review status: criteria provided, single submitter. Criteria: ACMG Guidelines, 2015. Collection method: reference population. Allele origin: germline. Observed: 1 variant allele.

Baylor Genetics
Classification: Pathogenic for Rhizomelic chondrodysplasia punctata type 1. Review status: criteria provided, single submitter. Criteria: ACMG Guidelines, 2015. Collection method: clinical testing. Allele origin: germline.

Juno Genomics, Hangzhou Juno Genomics, Inc
Classification: Likely pathogenic for Peroxisome biogenesis disorder 9B; Rhizomelic chondrodysplasia punctata type 1. Review status: criteria provided, single submitter. Criteria: ACMG Guidelines, 2015. Collection method: clinical testing. Allele origin: germline.
Comment: Absent from controls (or at extremely low frequency if recessive) in Genome Aggregation Database.;Null variant in a gene where loss of function (LOF) is a known mechanism of disease.

Literature cited by the submitters: PubMed 12325024 (cited by Labcorp Genetics (formerly Invitae), Labcorp); PubMed 12522768 (cited by Labcorp Genetics (formerly Invitae), Labcorp and Soonchunhyang University Bucheon Hospital, Soonchunhyang University Medical Center); PubMed 20301447 (cited by Labcorp Genetics (formerly Invitae), Labcorp); PubMed 34671977 (cited by Natera, Inc. and Women's Health and Genetics/Laboratory Corporation of America, LabCorp); PubMed 34229749 (cited by Women's Health and Genetics/Laboratory Corporation of America, LabCorp).

NM_000288.4(PEX7):c.183del (p.Phe61fs)

Gene: PEX7 (peroxisomal biogenesis factor 7; plus strand). Cytogenetic location: 6q23.3.
Variant type: Deletion.
Coding change: c.183del on transcript NM_000288.4 (MANE Select); coding-DNA position 183, one base deleted (T; older notation c.183delT).
Protein change: p.Phe61fs; shifts the reading frame from phenylalanine 61.
Molecular consequence: frameshift variant.
Genome position (GRCh38, 1-based): chr6:136,825,266, T deleted; the last of 5 consecutive T bases (chr6:136,825,262-136,825,266); deleting any one gives the same sequence. VCF-style (leftmost placement, unchanged base first): chr6-136825261-CT-C. GRCh37 (hg19) VCF-style: chr6-137146399-CT-C.
Other names: c.183del (NM_000288.3); short protein forms F61fs.
Identifiers: ClinVar variation 225436 (VCV000225436.19), dbSNP rs774131564, ClinGen allele CA4017507.